The following is an entry in ClinVar:

ClinVar aggregate classification (germline): Uncertain significance. Review status: criteria provided, multiple submitters, no conflicts (2 of 4 stars). 2 submissions from 2 submitters: Uncertain significance (2). Last evaluated 2025-10-09.

Submissions (2):

Labcorp Genetics (formerly Invitae), Labcorp
Classification: Uncertain significance. Last evaluated: 2025-10-09. Review status: criteria provided, single submitter. Criteria: Invitae Variant Classification Sherloc (09022015). Collection method: clinical testing. Allele origin: germline.
Comment: This sequence change replaces aspartic acid, which is acidic and polar, with glutamic acid, which is acidic and polar, at codon 707 of the RNF43 protein (p.Asp707Glu). This variant is not present in population databases (gnomAD no frequency). This variant has not been reported in the literature in individuals affected with RNF43-related conditions. ClinVar contains an entry for this variant (Variation ID: 3789975). An algorithm developed to predict the effect of missense changes on protein structure and function outputs the following: PolyPhen-2: "Benign". The glutamic acid amino acid residue is found in multiple mammalian species, which suggests that this missense change does not adversely affect protein function. In summary, the available evidence is currently insufficient to determine the role of this variant in disease. Therefore, it has been classified as a Variant of Uncertain Significance.

Ambry Genetics
Classification: Uncertain significance. Last evaluated: 2025-03-10. Review status: criteria provided, single submitter. Criteria: Ambry Variant Classification Scheme 2023. Collection method: clinical testing. Allele origin: germline.
Comment: The p.D707E variant (also known as c.2121C>G), located in coding exon 8 of the RNF43 gene, results from a C to G substitution at nucleotide position 2121. The aspartic acid at codon 707 is replaced by glutamic acid, an amino acid with highly similar properties. This amino acid position is conserved. In addition, this alteration is predicted to be tolerated by in silico analysis. Based on the available evidence, the clinical significance of this variant remains unclear.

NM_017763.6(RNF43):c.2121C>G (p.Asp707Glu)

Gene: RNF43 (ring finger protein 43; minus strand). Cytogenetic location: 17q22.
Variant type: single nucleotide variant.
Coding change: c.2121C>G on transcript NM_017763.6 (MANE Select); coding-DNA position 2121, C replaced by G.
Protein change: p.Asp707Glu; replaces aspartic acid 707 with glutamic acid.
Molecular consequence: missense variant.
Genome position (GRCh38, 1-based): chr17:58,357,655, G>C on the plus strand (C>G on the coding strand, the complement: RNF43 is on the minus strand). VCF-style: chr17-58357655-G-C. GRCh37 (hg19) VCF-style: chr17-56435016-G-C.
Other names: c.2121C>G, p.Asp707Glu (NM_001305544.3); c.1740C>G, p.Asp580Glu (NM_001305545.2); short protein forms D580E, D707E.
Identifiers: ClinVar variation 3789975 (VCV003789975.2).
Genomic context (GRCh38, chr17:58,357,655, plus strand): 5'-CAACCACACTGGCTGTGAATTTGAGTAACAGGGGCCTGGGGTTTCTGGTAGCAGCCTCTT[G>C]TCCAGGCCTGGAGGTCCACAGATCAAGGGGTGTGCCTCTGGGGACCAAGGATATGCCACA-3'
Protein context (NP_060233.3, residues 697-717): HPLICGPPGL[Asp707Glu]KRLLPETPGP